The following is an entry in ClinVar:

NM_000719.7(CACNA1C):c.6059G>A (p.Ser2020Asn)

Genes: CACNA1C (calcium voltage-gated channel subunit alpha1 C; plus strand), CACNA1C-AS1 (CACNA1C antisense RNA 1; minus strand). Cytogenetic location: 12p13.33.
Variant type: single nucleotide variant.
Coding change: c.6059G>A on transcript NM_000719.7 (MANE Select); coding-DNA position 6059, G replaced by A.
Protein change: p.Ser2020Asn; replaces serine 2020 with asparagine.
Molecular consequence: missense variant.
Genome position (GRCh38, 1-based): chr12:2,688,721, G>A. VCF-style: chr12-2688721-G-A. GRCh37 (hg19) VCF-style: chr12-2797887-G-A.
Other names: c.6203G>A, p.Ser2068Asn (NM_001129827.2); c.6182G>A, p.Ser2061Asn (NM_001129829.2); c.6164G>A, p.Ser2055Asn (NM_001129830.3, NM_001167624.3); c.6143G>A, p.Ser2048Asn (NM_001129831.2); c.6119G>A, p.Ser2040Asn (NM_001129832.2); c.6116G>A, p.Ser2039Asn (NM_001129833.2, NM_001129834.2, NM_001129835.2); c.6110G>A, p.Ser2037Asn (NM_001129836.2); c.6083G>A, p.Ser2028Asn (NM_001129837.2, NM_001129838.2); and 6 more; short protein forms S2055N, S2020N, S2068N, S2103N, S2009N, S2037N, S2048N, S2061N.
Identifiers: ClinVar variation 456992 (VCV000456992.53), dbSNP rs373503739, ClinGen allele CA6390069.

ClinVar aggregate classification (germline): Conflicting classifications of pathogenicity. Review status: criteria provided, conflicting classifications (1 of 4 stars). 5 submissions from 5 submitters: Uncertain significance (3); Likely benign (2). Last evaluated 2026-01-20.

Conditions:
CACNA1C-related disorder. Also called: CACNA1C-related disorders; CACNA1C-related condition. Identifiers: MedGen CN381092, MONDO:0700321.
Long QT syndrome (LQTS). Identifiers: MedGen C0023976, MeSH D008133, MONDO:0002442. Disease mechanism: loss of function. Inheritance: Various modes of inheritance.
Cardiovascular phenotype. Identifiers: MedGen CN230736.

Allele frequency attached by ClinVar (database versions not stated): gnomAD 0.00003; gnomAD exomes 0.00005 and 0.00014; TOPMed 0.00005; ExAC 0.00008; ESP Exome Variant Server 0.00008.
gnomAD v4.1: 201 of 1,604,104 alleles (0.013%); highest among the groups gnomAD compares: Non-Finnish European, 0.017%; no homozygotes.

Submissions (5):

Labcorp Genetics (formerly Invitae), Labcorp
Classification: Likely benign for Long QT syndrome. Last evaluated: 2026-01-20. Review status: criteria provided, single submitter. Criteria: Invitae Variant Classification Sherloc (09022015). Collection method: clinical testing. Allele origin: germline.

Ambry Genetics
Classification: Likely benign for Cardiovascular phenotype. Last evaluated: 2023-10-21. Review status: criteria provided, single submitter. Criteria: Ambry Variant Classification Scheme 2023. Collection method: clinical testing. Allele origin: germline.

PreventionGenetics, part of Exact Sciences
Classification: Uncertain significance for CACNA1C-related condition. Last evaluated: 2023-02-08. Review status: criteria provided, single submitter. Criteria: ACMG Guidelines, 2015. Collection method: clinical testing. Allele origin: germline.
Comment: The CACNA1C c.6059G>A variant is predicted to result in the amino acid substitution p.Ser2020Asn. This variant was reported in a case of sudden cardiac death; however, this individual also harbored a missense variant in the ANK2 gene (Patient #SD_2 in Table S1, Brion et al. 2014. PubMed ID: 24981977). This variant is reported in 0.010% of alleles in individuals of European (Non-Finnish) descent in gnomAD. At this time, the clinical significance of this variant is uncertain due to the absence of conclusive functional and genetic evidence.

CeGaT Center for Human Genetics Tuebingen
Classification: Uncertain significance. Last evaluated: 2021-01-01. Review status: criteria provided, single submitter. Criteria: CeGaT Center For Human Genetics Tuebingen Variant Classification Criteria Version 2. Collection method: clinical testing. Allele origin: germline. Affected: yes. Observed: 1 variant allele.

Molecular Diagnostic Laboratory for Inherited Cardiovascular Disease, Montreal Heart Institute
Classification: Uncertain significance for Congenital long QT syndrome. Last evaluated: 2016-09-30. Review status: criteria provided, single submitter. Criteria: ACMG Guidelines, 2015. Collection method: clinical testing. Allele origin: germline. Affected: yes.

Literature cited by the submitters: PubMed 24981977 (cited by Ambry Genetics).